The following is an entry in ClinVar:

NM_000246.4(CIITA):c.1684G>A (p.Ala562Thr)

Gene: CIITA (class II major histocompatibility complex transactivator; plus strand). Cytogenetic location: 16p13.13.
Variant type: single nucleotide variant.
Coding change: c.1684G>A on transcript NM_000246.4 (MANE Select); coding-DNA position 1684, G replaced by A.
Protein change: p.Ala562Thr; replaces alanine 562 with threonine.
Molecular consequence: missense variant. On other transcripts: intron variant (1).
Genome position (GRCh38, 1-based): chr16:10,907,176, G>A. VCF-style: chr16-10907176-G-A. GRCh37 (hg19) VCF-style: chr16-11001033-G-A.
Other names: c.1687G>A, p.Ala563Thr (NM_001286402.1, NM_001379332.1); c.1540G>A, p.Ala514Thr (NM_001379330.1); c.1537G>A, p.Ala513Thr (NM_001379331.1); c.1684G>A, p.Ala562Thr (NM_001379333.1); c.1615G>A, p.Ala539Thr (NM_001379334.1); c.860-1807G>A (NM_001286403.2); short protein forms A562T, A563T, A513T, A514T, A539T.
Identifiers: ClinVar variation 102994 (VCV000102994.6), dbSNP rs199476070, ClinGen allele CA229962.

ClinVar aggregate classification (germline): Uncertain significance. Review status: criteria provided, multiple submitters, no conflicts (2 of 4 stars). 3 submissions from 3 submitters: Uncertain significance (2). 1 of the submissions does not count toward it. Last evaluated 2022-08-08.

Conditions:
MHC class II deficiency. Also called: Bare lymphocyte syndrome 2; BLS, TYPE II. Identifiers: Orphanet 572, MedGen C5447452, MONDO:0008855.

Allele frequency attached by ClinVar (database versions not stated): ExAC 0.00006; gnomAD exomes 0.00002 and 0.00005; gnomAD 0.00009 and 0.00008; TOPMed 0.00006; ESP Exome Variant Server 0.00008.
gnomAD v4.1: 39 of 1,613,494 alleles (0.0024%); highest among the groups gnomAD compares: African/African-American, 0.028%; 1 homozygote.

Submissions (3):

Labcorp Genetics (formerly Invitae), Labcorp
Classification: Uncertain significance for MHC class II deficiency. Last evaluated: 2022-08-08. Review status: criteria provided, single submitter. Criteria: Invitae Variant Classification Sherloc (09022015). Collection method: clinical testing. Allele origin: germline.
Comment: This sequence change replaces alanine, which is neutral and non-polar, with threonine, which is neutral and polar, at codon 562 of the CIITA protein (p.Ala562Thr). This variant is present in population databases (rs199476070, gnomAD 0.04%). This variant has not been reported in the literature in individuals affected with CIITA-related conditions. ClinVar contains an entry for this variant (Variation ID: 102994). Algorithms developed to predict the effect of missense changes on protein structure and function output the following: SIFT: "Tolerated"; PolyPhen-2: "Benign"; Align-GVGD: "Class C0". The threonine amino acid residue is found in multiple mammalian species, which suggests that this missense change does not adversely affect protein function. In summary, the available evidence is currently insufficient to determine the role of this variant in disease. Therefore, it has been classified as a Variant of Uncertain Significance.

Baylor Genetics
Classification: Uncertain significance for MHC class II deficiency 1. Last evaluated: 2018-02-06. Review status: criteria provided, single submitter. Criteria: ACMG Guidelines, 2015. Collection method: clinical testing. Allele origin: paternal. Affected: yes.
Comment: This variant was determined to be of uncertain significance according to ACMG Guidelines, 2015 [PMID:25741868].

Human Evolutionary Genetics, Institut Pasteur
No classification provided. Review status: no classification provided. Collection method: not provided. Allele origin: germline. Not counted in ClinVar's aggregate classification.
ClinVar note: Converted during submission from untested to not provided.